The following is an entry in ClinVar:

NM_001205293.3(CACNA1E):c.3272A>C (p.Lys1091Thr)

Gene: CACNA1E (calcium voltage-gated channel subunit alpha1 E; plus strand). Cytogenetic location: 1q25.3.
Variant type: single nucleotide variant.
Coding change: c.3272A>C on transcript NM_001205293.3 (MANE Select); coding-DNA position 3272, A replaced by C.
Protein change: p.Lys1091Thr; replaces lysine 1091 with threonine.
Molecular consequence: missense variant.
Genome position (GRCh38, 1-based): chr1:181,736,284, A>C. VCF-style: chr1-181736284-A-C. GRCh37 (hg19) VCF-style: chr1-181705420-A-C.
Other names: c.3272A>C, p.Lys1091Thr (NM_000721.4); c.3215A>C, p.Lys1072Thr (NM_001205294.2); short protein forms K1091T, K1072T.
Identifiers: ClinVar variation 1352705 (VCV001352705.5), dbSNP rs2102575093, ClinGen allele CA343621438.

ClinVar aggregate classification (germline): Uncertain significance (1 of 4 stars; one submission).

Submission:

Labcorp Genetics (formerly Invitae), Labcorp
Classification: Uncertain significance. Last evaluated: 2021-08-27. Review status: criteria provided, single submitter. Criteria: Invitae Variant Classification Sherloc (09022015). Collection method: clinical testing. Allele origin: germline.
Comment: This sequence change replaces lysine with threonine at codon 1091 of the CACNA1E protein (p.Lys1091Thr). The lysine residue is moderately conserved and there is a moderate physicochemical difference between lysine and threonine. This variant is not present in population databases (ExAC no frequency). This variant has not been reported in the literature in individuals affected with CACNA1E-related conditions. Advanced modeling of protein sequence and biophysical properties (such as structural, functional, and spatial information, amino acid conservation, physicochemical variation, residue mobility, and thermodynamic stability) performed at Invitae indicates that this missense variant is not expected to disrupt CACNA1E protein function. In summary, the available evidence is currently insufficient to determine the role of this variant in disease. Therefore, it has been classified as a Variant of Uncertain Significance.